The following is an entry in ClinVar:

NM_000052.7(ATP7A):c.2831T>C (p.Phe944Ser)

Gene: ATP7A (ATPase copper transporting alpha; plus strand). Cytogenetic location: Xq21.1.
Variant type: single nucleotide variant.
Coding change: c.2831T>C on transcript NM_000052.7 (MANE Select); coding-DNA position 2831, T replaced by C.
Protein change: p.Phe944Ser; replaces phenylalanine 944 with serine.
Molecular consequence: missense variant.
Genome position (GRCh38, 1-based): chrX:78,020,994, T>C. VCF-style: chrX-78020994-T-C. GRCh37 (hg19) VCF-style: chrX-77276491-T-C.
Other names: c.2597T>C, p.Phe866Ser (NM_001282224.2); c.2831T>C (NM_000052.4); short protein forms F944S, F866S.
Identifiers: ClinVar variation 2930831 (VCV002930831.2), dbSNP rs2077902236, ClinGen allele CA413602797.

ClinVar aggregate classification (germline): Uncertain significance. Review status: criteria provided, multiple submitters, no conflicts (2 of 4 stars). 2 submissions from 2 submitters: Uncertain significance (2). Last evaluated 2025-09-10.

Conditions:
Inborn genetic diseases. Identifiers: MedGen C0950123, MeSH D030342.
Menkes kinky-hair syndrome (MNK). Also called: Copper transport disease; Menkes Disease; Classic Menkes Disease. Identifiers: Orphanet 565, MedGen C0022716, MONDO:0010651, OMIM 309400.
Cutis laxa, X-linked (OHS). Also called: EDS IX; Occipital horn syndrome. Identifiers: Orphanet 198, MedGen C0268353, MONDO:0010572, OMIM 304150.
X-linked distal spinal muscular atrophy type 3. Also called: ATP7A-Related Distal Motor Neuropathy; SPINAL MUSCULAR ATROPHY, DISTAL, X-LINKED RECESSIVE; NEURONOPATHY, DISTAL HEREDITARY MOTOR, X-LINKED; NEUROPATHY, DISTAL HEREDITARY MOTOR, X-LINKED. Identifiers: Orphanet 139557, MedGen C1845359, MONDO:0010338, OMIM 300489.

Allele frequency attached by ClinVar (database versions not stated): TOPMed 0.00005.
gnomAD v4.1: 1 of 1,207,079 alleles (0.000083%); no homozygotes.

Submissions (2):

Ambry Genetics
Classification: Uncertain significance for Inborn genetic diseases. Last evaluated: 2025-09-10. Review status: criteria provided, single submitter. Criteria: Ambry Variant Classification Scheme 2023. Collection method: clinical testing. Allele origin: germline.

Labcorp Genetics (formerly Invitae), Labcorp
Classification: Uncertain significance for X-linked distal spinal muscular atrophy type 3; Cutis laxa, X-linked; Menkes kinky-hair syndrome. Last evaluated: 2023-08-04. Review status: criteria provided, single submitter. Criteria: Invitae Variant Classification Sherloc (09022015). Collection method: clinical testing. Allele origin: germline.
Comment: This sequence change replaces phenylalanine, which is neutral and non-polar, with serine, which is neutral and polar, at codon 944 of the ATP7A protein (p.Phe944Ser). This variant is not present in population databases (gnomAD no frequency). This variant has not been reported in the literature in individuals affected with ATP7A-related conditions. Advanced modeling of protein sequence and biophysical properties (such as structural, functional, and spatial information, amino acid conservation, physicochemical variation, residue mobility, and thermodynamic stability) performed at Invitae indicates that this missense variant is not expected to disrupt ATP7A protein function. In summary, the available evidence is currently insufficient to determine the role of this variant in disease. Therefore, it has been classified as a Variant of Uncertain Significance.